The following is an entry in ClinVar:

ClinVar aggregate classification (germline): Conflicting classifications of pathogenicity. Review status: criteria provided, conflicting classifications (1 of 4 stars). 8 submissions from 8 submitters: Uncertain significance (7); Likely benign (1). Last evaluated 2025-10-28.

Conditions:
Hereditary cancer-predisposing syndrome. Also called: Tumor predisposition; Neoplastic Syndromes, Hereditary; Hereditary Cancer Syndrome; Hereditary neoplastic syndrome. Identifiers: Orphanet 140162, MedGen C0027672, MeSH D009386, MONDO:0015356.
Juvenile polyposis syndrome (JPS). Identifiers: Orphanet 2929, MedGen C0345893, MONDO:0017380, OMIM 174900.
Polyposis syndrome, hereditary mixed, 2. Identifiers: Orphanet 157794, MedGen C1864730, MONDO:0012405, OMIM 610069.

Allele frequency attached by ClinVar (database versions not stated): gnomAD 0.00001; TOPMed 0.00004.
gnomAD v4.1: 5 of 1,612,804 alleles (0.00031%); highest among the groups gnomAD compares: Admixed American, 0.0083%; no homozygotes.

Submissions (8):

Labcorp Genetics (formerly Invitae), Labcorp
Classification: Uncertain significance for Juvenile polyposis syndrome. Last evaluated: 2025-10-28. Review status: criteria provided, single submitter. Criteria: Invitae Variant Classification Sherloc (09022015). Collection method: clinical testing. Allele origin: germline.
Comment: This sequence change replaces arginine, which is basic and polar, with glycine, which is neutral and non-polar, at codon 361 of the BMPR1A protein (p.Arg361Gly). This variant is not present in population databases (gnomAD no frequency). This variant has not been reported in the literature in individuals affected with BMPR1A-related conditions. ClinVar contains an entry for this variant (Variation ID: 489681). Invitae Evidence Modeling of protein sequence and biophysical properties (such as structural, functional, and spatial information, amino acid conservation, physicochemical variation, residue mobility, and thermodynamic stability) has been performed for this missense variant. However, the output from this modeling did not meet the statistical confidence thresholds required to predict the impact of this variant on BMPR1A protein function. In summary, the available evidence is currently insufficient to determine the role of this variant in disease. Therefore, it has been classified as a Variant of Uncertain Significance.

Ambry Genetics
Classification: Uncertain significance for Hereditary cancer-predisposing syndrome. Last evaluated: 2025-08-27. Review status: criteria provided, single submitter. Criteria: Ambry Variant Classification Scheme 2023. Collection method: clinical testing. Allele origin: germline.
Comment: The p.R361G variant (also known as c.1081C>G), located in coding exon 8 of the BMPR1A gene, results from a C to G substitution at nucleotide position 1081. The arginine at codon 361 is replaced by glycine, an amino acid with dissimilar properties. This variant has been detected in multiple individuals with no reported features of BMPR1A-related juvenile polyposis syndrome (Ambry internal data). This amino acid position is highly conserved in available vertebrate species. In addition, this alteration is predicted to be deleterious by in silico analysis. Based on the available evidence, the clinical significance of this variant remains unclear.

Quest Diagnostics Nichols Institute San Juan Capistrano
Classification: Uncertain significance. Last evaluated: 2024-09-26. Review status: criteria provided, single submitter. Criteria: Quest Diagnostics criteria. Collection method: clinical testing. Allele origin: unknown.
Comment: The BMPR1A c.1081C>G (p.Arg361Gly) variant has not been reported in individuals with BMPR1A-related conditions in the published literature. The frequency of this variant in the general population, 0.000013 (2/152186 chromosomes (Genome Aggregation Database)), is uninformative in the assessment of its pathogenicity. Analysis of this variant using bioinformatics tools for the prediction of the effect of amino acid changes on protein structure and function yielded predictions that this variant is damaging. Based on the available information, we are unable to determine the clinical significance of this variant.

GeneDx
Classification: Uncertain significance. Last evaluated: 2024-07-30. Review status: criteria provided, single submitter. Criteria: GeneDx Variant Classification Process June 2021. Collection method: clinical testing. Allele origin: germline. Affected: yes.
Comment: Not observed at significant frequency in large population cohorts (gnomAD); In silico analysis supports that this missense variant has a deleterious effect on protein structure/function; Has not been previously published as pathogenic or benign to our knowledge

Color Diagnostics, LLC DBA Color Health
Classification: Uncertain significance for Hereditary cancer-predisposing syndrome. Last evaluated: 2024-03-07. Review status: criteria provided, single submitter. Criteria: ACMG Guidelines, 2015. Collection method: clinical testing. Allele origin: germline.
Comment: This missense variant replaces arginine with glycine at codon 361 of the BMPR1A protein. Computational prediction suggests that this variant may have deleterious impact on protein structure and function (internally defined REVEL score threshold >= 0.7, PMID: 27666373). To our knowledge, functional studies have not been reported for this variant. This variant has not been reported in individuals affected with BMPR1A-related disorders in the literature. This variant has not been identified in the general population by the Genome Aggregation Database (gnomAD). The available evidence is insufficient to determine the role of this variant in disease conclusively. Therefore, this variant is classified as a Variant of Uncertain Significance.

Baylor Genetics
Classification: Uncertain significance for Polyposis syndrome, hereditary mixed, 2. Last evaluated: 2024-01-22. Review status: criteria provided, single submitter. Criteria: ACMG Guidelines, 2015. Collection method: clinical testing. Allele origin: unknown.

Myriad Genetics, Inc.
Classification: Likely benign for Juvenile polyposis syndrome. Last evaluated: 2023-11-22. Review status: criteria provided, single submitter. Criteria: Myriad Autosomal Dominant, Autosomal Recessive and X-Linked Classification Criteria (2023). Collection method: clinical testing. Allele origin: unknown.
Comment: This variant is considered likely benign. Homozygosity has been confirmed in one or more individuals. As homozygosity for pathogenic variants in this gene is generally assumed to result in embryonic lethality, this variant is unlikely to be pathogenic.

All of Us Research Program, National Institutes of Health
Classification: Uncertain significance for Juvenile polyposis syndrome. Last evaluated: 2023-08-15. Review status: criteria provided, single submitter. Criteria: ACMG Guidelines, 2015. Collection method: clinical testing. Allele origin: germline. Inheritance: Autosomal dominant inheritance. Observed: 1 variant allele, 1 heterozygote.
Comment: This missense variant replaces arginine with glycine at codon 361 of the BMPR1A protein. Computational prediction suggests that this variant may have deleterious impact on protein structure and function (internally defined REVEL score threshold >= 0.7, PMID: 27666373). To our knowledge, functional studies have not been reported for this variant. This variant has not been reported in individuals affected with BMPR1A-related disorders in the literature. This variant has not been identified in the general population by the Genome Aggregation Database (gnomAD). The available evidence is insufficient to determine the role of this variant in disease conclusively. Therefore, this variant is classified as a Variant of Uncertain Significance.

This study involves interpretation of variants in research participants for the purpose of population health screening. Participant phenotype was not available at the time of variant classification. Additional details can be found in publication PMID: 35346344, PMCID: PMC8962531

NM_004329.3(BMPR1A):c.1081C>G (p.Arg361Gly)

Gene: BMPR1A (bone morphogenetic protein receptor type 1A; plus strand). Cytogenetic location: 10q23.2.
Variant type: single nucleotide variant.
Coding change: c.1081C>G on transcript NM_004329.3 (MANE Select); coding-DNA position 1081, C replaced by G.
Protein change: p.Arg361Gly; replaces arginine 361 with glycine.
Molecular consequence: missense variant.
Genome position (GRCh38, 1-based): chr10:86,919,384, C>G. VCF-style: chr10-86919384-C-G. GRCh37 (hg19) VCF-style: chr10-88679141-C-G.
Other names: short protein forms R361G.
Identifiers: ClinVar variation 489681 (VCV000489681.29), dbSNP rs764466442, ClinGen allele CA211208769.